The following is an entry in ClinVar:

ClinVar aggregate classification (germline): Uncertain significance. Review status: criteria provided, multiple submitters, no conflicts (2 of 4 stars). 2 submissions from 2 submitters: Uncertain significance (2). Last evaluated 2026-01-05.

Conditions:
Cardiovascular phenotype. Identifiers: MedGen CN230736.
ANKRD1-related dilated cardiomyopathy. Identifiers: MedGen CN119551.

gnomAD v4.1: 1 of 1,614,004 alleles (0.000062%); highest among the groups gnomAD compares: Non-Finnish European, 0.000085%; no homozygotes.

Submissions (2):

Labcorp Genetics (formerly Invitae), Labcorp
Classification: Uncertain significance for ANKRD1-related dilated cardiomyopathy. Last evaluated: 2026-01-05. Review status: criteria provided, single submitter. Criteria: Invitae Variant Classification Sherloc (09022015). Collection method: clinical testing. Allele origin: germline.
Comment: This sequence change replaces glycine, which is neutral and non-polar, with alanine, which is neutral and non-polar, at codon 275 of the ANKRD1 protein (p.Gly275Ala). This variant is not present in population databases (gnomAD no frequency). This variant has not been reported in the literature in individuals affected with ANKRD1-related conditions. ClinVar contains an entry for this variant (Variation ID: 4100150). Invitae Evidence Modeling of protein sequence and biophysical properties (such as structural, functional, and spatial information, amino acid conservation, physicochemical variation, residue mobility, and thermodynamic stability) has been performed for this missense variant. However, the output from this modeling did not meet the statistical confidence thresholds required to predict the impact of this variant on ANKRD1 protein function. In summary, the available evidence is currently insufficient to determine the role of this variant in disease. Therefore, it has been classified as a Variant of Uncertain Significance.

Ambry Genetics
Classification: Uncertain significance for Cardiovascular phenotype. Last evaluated: 2025-06-17. Review status: criteria provided, single submitter. Criteria: Ambry Variant Classification Scheme 2023. Collection method: clinical testing. Allele origin: germline.

NM_014391.3(ANKRD1):c.824G>C (p.Gly275Ala)

Gene: ANKRD1 (ankyrin repeat domain 1; minus strand). Cytogenetic location: 10q23.31.
Variant type: single nucleotide variant.
Coding change: c.824G>C on transcript NM_014391.3 (MANE Select); coding-DNA position 824, G replaced by C.
Protein change: p.Gly275Ala; replaces glycine 275 with alanine.
Molecular consequence: missense variant.
Genome position (GRCh38, 1-based): chr10:90,915,568, C>G on the plus strand (G>C on the coding strand, the complement: ANKRD1 is on the minus strand). VCF-style: chr10-90915568-C-G. GRCh37 (hg19) VCF-style: chr10-92675325-C-G.
Other names: short protein forms G275A.
Identifiers: ClinVar variation 4100150 (VCV004100150.2).